The following is an entry in ClinVar:

ClinVar aggregate classification (germline): Uncertain significance (1 of 4 stars; one submission).

Allele frequency attached by ClinVar (database versions not stated): ExAC 0.00003; TOPMed 0.00001; gnomAD 0.00002; gnomAD exomes below 0.00001.
gnomAD v4.1: 8 of 1,592,902 alleles (0.0005%); highest among the groups gnomAD compares: Middle Eastern, 0.017%; no homozygotes.

Submission:

Labcorp Genetics (formerly Invitae), Labcorp
Classification: Uncertain significance. Last evaluated: 2025-03-10. Review status: criteria provided, single submitter. Criteria: Invitae Variant Classification Sherloc (09022015). Collection method: clinical testing. Allele origin: germline.
Comment: This sequence change replaces alanine, which is neutral and non-polar, with valine, which is neutral and non-polar, at codon 130 of the THBD protein (p.Ala130Val). The frequency data for this variant in the population databases is considered unreliable, as metrics indicate poor data quality at this position in the gnomAD database. This variant has not been reported in the literature in individuals affected with THBD-related conditions. ClinVar contains an entry for this variant (Variation ID: 2996276). Invitae Evidence Modeling of protein sequence and biophysical properties (such as structural, functional, and spatial information, amino acid conservation, physicochemical variation, residue mobility, and thermodynamic stability) indicates that this missense variant is not expected to disrupt THBD protein function with a negative predictive value of 80%. In summary, the available evidence is currently insufficient to determine the role of this variant in disease. Therefore, it has been classified as a Variant of Uncertain Significance.

NM_000361.3(THBD):c.389C>T (p.Ala130Val)

Gene: THBD (thrombomodulin; minus strand). Cytogenetic location: 20p11.21.
Variant type: single nucleotide variant.
Coding change: c.389C>T on transcript NM_000361.3 (MANE Select); coding-DNA position 389, C replaced by T.
Protein change: p.Ala130Val; replaces alanine 130 with valine.
Molecular consequence: missense variant.
Genome position (GRCh38, 1-based): chr20:23,049,116, G>A on the plus strand (C>T on the coding strand, the complement: THBD is on the minus strand). VCF-style: chr20-23049116-G-A. GRCh37 (hg19) VCF-style: chr20-23029753-G-A.
Other names: short protein forms A130V.
Identifiers: ClinVar variation 2996276 (VCV002996276.3), dbSNP rs779956574, ClinGen allele CA9787741.